The following is an entry in ClinVar:

NM_005188.4(CBL):c.2224C>T (p.Pro742Ser)

Gene: CBL (Cbl proto-oncogene; plus strand). Cytogenetic location: 11q23.3.
Variant type: single nucleotide variant.
Coding change: c.2224C>T on transcript NM_005188.4 (MANE Select); coding-DNA position 2224, C replaced by T.
Protein change: p.Pro742Ser; replaces proline 742 with serine.
Molecular consequence: missense variant.
Genome position (GRCh38, 1-based): chr11:119,297,454, C>T. VCF-style: chr11-119297454-C-T. GRCh37 (hg19) VCF-style: chr11-119168164-C-T.
Other names: c.2224C>T (NM_005188.2); short protein forms P742S.
Identifiers: ClinVar variation 133810 (VCV000133810.2), dbSNP rs587778157, ClinGen allele CA157857.

ClinVar aggregate classification (germline): Uncertain significance. Review status: criteria provided, single submitter (1 of 4 stars). 2 submissions from 2 submitters: Uncertain significance (1). 1 of the submissions does not count toward it. Last evaluated 2025-04-18.

Conditions:
Cardiovascular phenotype. Identifiers: MedGen CN230736.

Submissions (2):

Ambry Genetics
Classification: Uncertain significance for Cardiovascular phenotype. Last evaluated: 2025-04-18. Review status: criteria provided, single submitter. Criteria: Ambry Variant Classification Scheme 2023. Collection method: clinical testing. Allele origin: germline.
Comment: The p.P742S variant (also known as c.2224C>T), located in coding exon 14 of the CBL gene, results from a C to T substitution at nucleotide position 2224. The proline at codon 742 is replaced by serine, an amino acid with similar properties. This amino acid position is conserved. In addition, this alteration is predicted to be tolerated by in silico analysis. Based on the available evidence, the clinical significance of this variant remains unclear.

ITMI
No classification provided. Condition: AllHighlyPenetrant. Last evaluated: 2013-09-19. Review status: no classification provided. Collection method: reference population. Allele origin: germline. Not counted in ClinVar's aggregate classification.
Comment: Please see associated publication for description of ethnicities

Literature cited by the submitters: PubMed 24728327 (cited by ITMI).